The following is an entry in ClinVar:

ClinVar aggregate classification (germline): Uncertain significance. Review status: criteria provided, multiple submitters, no conflicts (2 of 4 stars). 2 submissions from 2 submitters: Uncertain significance (2). Last evaluated 2025-03-26.

Conditions:
Inborn genetic diseases. Identifiers: MedGen C0950123, MeSH D030342.
Autosomal recessive severe congenital neutropenia due to G6PC3 deficiency. Also called: G6PC3 Deficiency; NEUTROPENIA, SEVERE CONGENITAL, 4, AUTOSOMAL RECESSIVE. Identifiers: Orphanet 331176, MedGen C2751630, MONDO:0012930, OMIM 612541.

Allele frequency attached by ClinVar (database versions not stated): TOPMed below 0.00001; gnomAD exomes 0.00001.

Submissions (2):

Ambry Genetics
Classification: Uncertain significance for Inborn genetic diseases. Last evaluated: 2025-03-26. Review status: criteria provided, single submitter. Criteria: Ambry Variant Classification Scheme 2023. Collection method: clinical testing. Allele origin: germline.
Comment: The p.P247R variant (also known as c.740C>G), located in coding exon 6 of the G6PC3 gene, results from a C to G substitution at nucleotide position 740. The proline at codon 247 is replaced by arginine, an amino acid with dissimilar properties. This amino acid position is conserved. In addition, this alteration is predicted to be deleterious by in silico analysis. Based on the available evidence, the clinical significance of this variant remains unclear.

Labcorp Genetics (formerly Invitae), Labcorp
Classification: Uncertain significance for Autosomal recessive severe congenital neutropenia due to G6PC3 deficiency. Last evaluated: 2024-10-28. Review status: criteria provided, single submitter. Criteria: Invitae Variant Classification Sherloc (09022015). Collection method: clinical testing. Allele origin: germline.
Comment: This sequence change replaces proline, which is neutral and non-polar, with arginine, which is basic and polar, at codon 247 of the G6PC3 protein (p.Pro247Arg). This variant is not present in population databases (gnomAD no frequency). This variant has not been reported in the literature in individuals affected with G6PC3-related conditions. ClinVar contains an entry for this variant (Variation ID: 1379204). Invitae Evidence Modeling of protein sequence and biophysical properties (such as structural, functional, and spatial information, amino acid conservation, physicochemical variation, residue mobility, and thermodynamic stability) indicates that this missense variant is expected to disrupt G6PC3 protein function with a positive predictive value of 95%. In summary, the available evidence is currently insufficient to determine the role of this variant in disease. Therefore, it has been classified as a Variant of Uncertain Significance.

NM_138387.4(G6PC3):c.740C>G (p.Pro247Arg)

Gene: G6PC3 (glucose-6-phosphatase catalytic subunit 3; plus strand). Cytogenetic location: 17q21.31.
Variant type: single nucleotide variant.
Coding change: c.740C>G on transcript NM_138387.4 (MANE Select); coding-DNA position 740, C replaced by G.
Protein change: p.Pro247Arg; replaces proline 247 with arginine.
Molecular consequence: missense variant. On other transcripts: 3 prime UTR variant (1).
Genome position (GRCh38, 1-based): chr17:44,075,742, C>G. VCF-style: chr17-44075742-C-G. GRCh37 (hg19) VCF-style: chr17-42153110-C-G.
Other names: c.740C>G (NM_138387.3); c.*33C>G (NM_001319945.2); c.395C>G, p.Pro132Arg (NM_001384165.1, NM_001384166.1, NM_001384167.1 and 1 more transcripts); short protein forms P247R, P132R.
Identifiers: ClinVar variation 1379204 (VCV001379204.7), dbSNP rs1158728815, ClinGen allele CA399729228.